The following is an entry in ClinVar:

ClinVar aggregate classification (germline): Uncertain significance (1 of 4 stars; one submission).

Conditions:
Progressive myoclonic epilepsy type 7. Identifiers: Orphanet 435438, MedGen C4015420, MONDO:0014521, OMIM 616187.

Allele frequency attached by ClinVar (database versions not stated): gnomAD exomes below 0.00001; ExAC 0.00001.
gnomAD v4.1: 1 of 1,612,582 alleles (0.000062%); highest among the groups gnomAD compares: African/African-American, 0.0013%; no homozygotes.

Submission:

Labcorp Genetics (formerly Invitae), Labcorp
Classification: Uncertain significance for Progressive myoclonic epilepsy type 7. Last evaluated: 2021-06-23. Review status: criteria provided, single submitter. Criteria: Invitae Variant Classification Sherloc (09022015). Collection method: clinical testing. Allele origin: germline.
Comment: In summary, the available evidence is currently insufficient to determine the role of this variant in disease. Therefore, it has been classified as a Variant of Uncertain Significance. This variant is present in population databases (rs761924422, ExAC 0.01%). Advanced modeling of protein sequence and biophysical properties (such as structural, functional, and spatial information, amino acid conservation, physicochemical variation, residue mobility, and thermodynamic stability) performed at Invitae indicates that this missense variant is not expected to disrupt KCNC1 protein function. This variant has not been reported in the literature in individuals with KCNC1-related conditions. This sequence change replaces isoleucine with methionine at codon 498 of the KCNC1 protein (p.Ile498Met). The isoleucine residue is highly conserved and there is a small physicochemical difference between isoleucine and methionine.

NM_001112741.2(KCNC1):c.1494T>G (p.Ile498Met)

Gene: KCNC1 (potassium voltage-gated channel subfamily C member 1; plus strand). Cytogenetic location: 11p15.1.
Variant type: single nucleotide variant.
Coding change: c.1494T>G on transcript NM_001112741.2 (MANE Select); coding-DNA position 1494, T replaced by G.
Protein change: p.Ile498Met; replaces isoleucine 498 with methionine.
Molecular consequence: missense variant.
Genome position (GRCh38, 1-based): chr11:17,772,588, T>G. VCF-style: chr11-17772588-T-G. GRCh37 (hg19) VCF-style: chr11-17794135-T-G.
Other names: c.1494T>G, p.Ile498Met (NM_004976.4); short protein forms I498M.
Identifiers: ClinVar variation 1405605 (VCV001405605.8), dbSNP rs761924422, ClinGen allele CA5906818.
Genomic context (GRCh38, chr11:17,772,588, plus strand): 5'-TCCACACCACAGTACTCAGAGTGACACATGTCCGCTGGCCCAGGAAGAAATTTTAGAAAT[T>G]AACAGAGCAGGTAGGAAACCTCTTAGAGGCATGTCGATCTGACCTTTCACCTCTGCCCCC-3'
Protein context (NP_001106212.1, residues 488-508): CPLAQEEILE[Ile498Met]NRADSKLNGE